The following is an entry in ClinVar:

NM_032043.3(BRIP1):c.284T>G (p.Phe95Cys)

Gene: BRIP1 (BRCA1 interacting DNA helicase 1; minus strand). Cytogenetic location: 17q23.2.
Variant type: single nucleotide variant.
Coding change: c.284T>G on transcript NM_032043.3 (MANE Select); coding-DNA position 284, T replaced by G.
Protein change: p.Phe95Cys; replaces phenylalanine 95 with cysteine.
Molecular consequence: missense variant.
Genome position (GRCh38, 1-based): chr17:61,857,153, A>C on the plus strand (T>G on the coding strand, the complement: BRIP1 is on the minus strand). VCF-style: chr17-61857153-A-C. GRCh37 (hg19) VCF-style: chr17-59934514-A-C.
Other names: short protein forms F95C.
Identifiers: ClinVar variation 1796821 (VCV001796821.4), dbSNP rs2545459601, ClinGen allele CA400485455.
Genomic context (GRCh38, chr17:61,857,153, plus strand): 5'-GGTGGTGTGCTTGGATAGTTGAAATGACGTGAAGTTCCTTGGTTCATGTCATTGTTTGTA[A>C]AATCCTTTGAATGGCATGCACAACAACATGACAATTGTACTTCAGCTTTTTCACTTACGC-3'
Protein context (NP_114432.2, residues 85-105): SCCCACHSKD[Phe95Cys]TNNDMNQGTS

ClinVar aggregate classification (germline): Uncertain significance. Review status: criteria provided, multiple submitters, no conflicts (2 of 4 stars). 3 submissions from 3 submitters: Uncertain significance (3). Last evaluated 2025-11-09.

Conditions:
Familial cancer of breast. Also called: BREAST CANCER, FAMILIAL; hereditary breast carcinoma; Hereditary breast cancer. Identifiers: Orphanet 227535, MedGen C0346153, MONDO:0016419, OMIM 114480. Disease mechanism: loss of function.
Fanconi anemia complementation group J. Also called: BRIP1-Related Fanconi Anemia. Identifiers: Orphanet 84, MedGen C1836860, MONDO:0012187, OMIM 609054.
Hereditary cancer-predisposing syndrome. Also called: Neoplastic Syndromes, Hereditary; Tumor predisposition; Hereditary neoplastic syndrome; Hereditary Cancer Syndrome. Identifiers: Orphanet 140162, MedGen C0027672, MeSH D009386, MONDO:0015356.

Submissions (3):

Labcorp Genetics (formerly Invitae), Labcorp
Classification: Uncertain significance for Familial cancer of breast; Fanconi anemia complementation group J. Last evaluated: 2025-11-09. Review status: criteria provided, single submitter. Criteria: Invitae Variant Classification Sherloc (09022015). Collection method: clinical testing. Allele origin: germline.
Comment: This sequence change replaces phenylalanine, which is neutral and non-polar, with cysteine, which is neutral and slightly polar, at codon 95 of the BRIP1 protein (p.Phe95Cys). This variant is not present in population databases (gnomAD no frequency). This variant has not been reported in the literature in individuals affected with BRIP1-related conditions. ClinVar contains an entry for this variant (Variation ID: 1796821). Invitae Evidence Modeling of protein sequence and biophysical properties (such as structural, functional, and spatial information, amino acid conservation, physicochemical variation, residue mobility, and thermodynamic stability) indicates that this missense variant is not expected to disrupt BRIP1 protein function with a negative predictive value of 95%. In summary, the available evidence is currently insufficient to determine the role of this variant in disease. Therefore, it has been classified as a Variant of Uncertain Significance.

Color Diagnostics, LLC DBA Color Health
Classification: Uncertain significance for Hereditary cancer-predisposing syndrome. Last evaluated: 2024-06-24. Review status: criteria provided, single submitter. Criteria: ACMG Guidelines, 2015. Collection method: clinical testing. Allele origin: germline.
Comment: This missense variant replaces phenylalanine with cysteine at codon 95 of the BRIP1 protein. Computational prediction suggests that this variant may not impact protein structure and function (internally defined REVEL score threshold <= 0.5, PMID: 27666373). To our knowledge, functional studies have not been reported for this variant. This variant has not been reported in individuals affected with BRIP1-related disorders in the literature. This variant has not been identified in the general population by the Genome Aggregation Database (gnomAD). The available evidence is insufficient to determine the role of this variant in disease conclusively. Therefore, this variant is classified as a Variant of Uncertain Significance.

Ambry Genetics
Classification: Uncertain significance for Hereditary cancer-predisposing syndrome. Last evaluated: 2022-10-17. Review status: criteria provided, single submitter. Criteria: Ambry Variant Classification Scheme 2023. Collection method: clinical testing. Allele origin: germline.
Comment: The p.F95C variant (also known as c.284T>G), located in coding exon 3 of the BRIP1 gene, results from a T to G substitution at nucleotide position 284. The phenylalanine at codon 95 is replaced by cysteine, an amino acid with highly dissimilar properties. This amino acid position is conserved. In addition, this alteration is predicted to be tolerated by in silico analysis. Since supporting evidence is limited at this time, the clinical significance of this alteration remains unclear.